The following is an entry in ClinVar:

ClinVar aggregate classification (germline): Benign (1 of 4 stars; one submission).

Allele frequency attached by ClinVar (database versions not stated): gnomAD 0.15601 and 0.15716; TOPMed 0.17205; 1000 Genomes Project 0.25859; 1000 Genomes Project 30x 0.25921.
gnomAD v4.1: 23,714 of 152,258 alleles (16%); highest among the groups gnomAD compares: African/African-American, 38%; 3,646 homozygotes.

Submission:

GeneDx
Classification: Benign. Last evaluated: 2018-06-18. Review status: criteria provided, single submitter. Criteria: GeneDx Variant Classification (06012015). Collection method: clinical testing. Allele origin: germline. Affected: yes.
Comment: This variant is considered likely benign or benign based on one or more of the following criteria: it is a conservative change, it occurs at a poorly conserved position in the protein, it is predicted to be benign by multiple in silico algorithms, and/or has population frequency not consistent with disease.

NM_001458.5(FLNC):c.4288+304T>C

Gene: FLNC (filamin C; plus strand). Cytogenetic location: 7q32.1.
Variant type: single nucleotide variant.
Coding change: c.4288+304T>C on transcript NM_001458.5 (MANE Select); 304 bases into the intron after coding-DNA position 4288, T replaced by C.
Molecular consequence: intron variant.
Genome position (GRCh38, 1-based): chr7:128,847,209, T>C. VCF-style: chr7-128847209-T-C. GRCh37 (hg19) VCF-style: chr7-128487263-T-C.
Other names: c.4288+304T>C (NM_001127487.2).
Identifiers: ClinVar variation 668756 (VCV000668756.1), dbSNP rs3800584, ClinGen allele CA12619179.